The following is an entry in ClinVar:

ClinVar aggregate classification (germline): Conflicting classifications of pathogenicity. Review status: criteria provided, conflicting classifications (1 of 4 stars). 7 submissions from 7 submitters: Likely pathogenic (1); Uncertain significance (3). 3 of the submissions do not count toward it. Last evaluated 2023-11-13.

Conditions:
Spastic paraplegia. Identifiers: MedGen C0037772, HP:0001258.
Charlevoix-Saguenay spastic ataxia (SACS). Also called: AUTOSOMAL RECESSIVE SPASTIC ATAXIA OF CHARLEVOIX-SAGUENAY; SPASTIC ATAXIA 6, AUTOSOMAL RECESSIVE; Spastic ataxia of Charlevoix-Saguenay. Identifiers: Orphanet 98, MedGen C1849140, MONDO:0010041, OMIM 270550.

Allele frequency attached by ClinVar (database versions not stated): gnomAD exomes 0.00001 and 0.00002; TOPMed 0.00001; ExAC 0.00001; gnomAD 0.00001.
gnomAD v4.1: 31 of 1,613,714 alleles (0.0019%); highest among the groups gnomAD compares: Non-Finnish European, 0.0024%; no homozygotes.

Submissions (7):

Athena Diagnostics
Classification: Uncertain significance. Last evaluated: 2023-11-13. Review status: criteria provided, single submitter. Criteria: Athena Diagnostics Criteria. Collection method: clinical testing. Allele origin: unknown.
Comment: Available data are insufficient to determine the clinical significance of the variant at this time. The frequency of this variant in the general population is uninformative in assessment of its pathogenicity. Computational tools predict that this variant is damaging.

PROSPAX: an integrated multimodal progression  chart in spastic ataxias, Center for Neurology; Hertie-Institute for Clinical Brain Research
Classification: Likely pathogenic for Charlevoix-Saguenay spastic ataxia. Last evaluated: 2022-01-01. Review status: criteria provided, single submitter. Criteria: ACMG Guidelines, 2015. Collection method: research. Allele origin: germline. Affected: yes.
Comment: Variant seen in compound het: [c.10954C>A;c.11185C>T;c.10907G>A]

Genome-Nilou Lab
Classification: Uncertain significance for Charlevoix-Saguenay spastic ataxia. Last evaluated: 2021-09-05. Review status: criteria provided, single submitter. Criteria: ACMG Guidelines, 2015. Collection method: clinical testing. Allele origin: germline. Affected: no.

Labcorp Genetics (formerly Invitae), Labcorp
Classification: Uncertain significance for Spastic paraplegia. Last evaluated: 2021-08-12. Review status: criteria provided, single submitter. Criteria: Invitae Variant Classification Sherloc (09022015). Collection method: clinical testing. Allele origin: germline.
Comment: This sequence change replaces arginine with glutamine at codon 3636 of the SACS protein (p.Arg3636Gln). The arginine residue is moderately conserved and there is a small physicochemical difference between arginine and glutamine. This variant is present in population databases (rs281865119, ExAC 0.002%). This missense change has been observed in individual(s) with clinical features of autosomal recessive spastic ataxia of Charlevoix-Saguenay in which this allele occurred in the homozygous state or in trans with an additional SACS variant on the opposite allele (PMID: 20876471). ClinVar contains an entry for this variant (Variation ID: 38457). Algorithms developed to predict the effect of missense changes on protein structure and function are either unavailable or do not agree on the potential impact of this missense change (SIFT: "Deleterious"; PolyPhen-2: "Probably Damaging"; Align-GVGD: "Class C0"). In summary, the available evidence is currently insufficient to determine the role of this variant in disease. Therefore, it has been classified as a Variant of Uncertain Significance.

Natera, Inc.
Classification: Uncertain significance for Charlevoix-Saguenay type spastic ataxia. Last evaluated: 2021-01-13. Review status: no assertion criteria provided. Collection method: clinical testing. Allele origin: germline. Not counted in ClinVar's aggregate classification.

Counsyl
Classification: Uncertain significance for Charlevoix-Saguenay spastic ataxia. Last evaluated: 2018-02-22. Review status: no assertion criteria provided. Collection method: clinical testing. Allele origin: unknown. Not counted in ClinVar's aggregate classification.

GeneReviews
No classification provided. Condition: Charlevoix-Saguenay spastic ataxia. Review status: no classification provided. Collection method: literature only. Allele origin: germline. Not counted in ClinVar's aggregate classification.

Literature cited by the submitters: PubMed 28535259 (cited by Athena Diagnostics and Counsyl); PubMed 20876471 (cited by 4 submitters); PubMed 32816195 (cited by Athena Diagnostics); PubMed 34816117 (cited by Athena Diagnostics); PubMed 23280630 (cited by Athena Diagnostics); PubMed 34649874 (cited by Athena Diagnostics); PubMed 30665703 (cited by Athena Diagnostics); PubMed 10053011 (cited by GeneReviews); PubMed 20301432 (cited by GeneReviews).

NM_014363.6(SACS):c.10907G>A (p.Arg3636Gln)

Gene: SACS (sacsin molecular chaperone; minus strand). Cytogenetic location: 13q12.12.
Variant type: single nucleotide variant.
Coding change: c.10907G>A on transcript NM_014363.6 (MANE Select); coding-DNA position 10907, G replaced by A.
Protein change: p.Arg3636Gln; replaces arginine 3636 with glutamine.
Molecular consequence: missense variant.
Genome position (GRCh38, 1-based): chr13:23,332,969, C>T on the plus strand (G>A on the coding strand, the complement: SACS is on the minus strand). VCF-style: chr13-23332969-C-T. GRCh37 (hg19) VCF-style: chr13-23907108-C-T.
Other names: c.10466G>A, p.Arg3489Gln (NM_001278055.2); short protein forms R3636Q, R3489Q.
Identifiers: ClinVar variation 38457 (VCV000038457.22), dbSNP rs281865119, ClinGen allele CA343112.